The following is an entry in ClinVar:

NM_007118.4(TRIO):c.7132C>T (p.Pro2378Ser)

Gene: TRIO (trio Rho guanine nucleotide exchange factor; plus strand). Cytogenetic location: 5p15.2.
Variant type: single nucleotide variant.
Coding change: c.7132C>T on transcript NM_007118.4 (MANE Select); coding-DNA position 7132, C replaced by T.
Protein change: p.Pro2378Ser; replaces proline 2378 with serine.
Molecular consequence: missense variant.
Genome position (GRCh38, 1-based): chr5:14,487,760, C>T. VCF-style: chr5-14487760-C-T. GRCh37 (hg19) VCF-style: chr5-14487869-C-T.
Other names: short protein forms P2378S.
Identifiers: ClinVar variation 3356992 (VCV003356992.1).
Genomic context (GRCh38, chr5:14,487,760, plus strand): 5'-TCGAGCCAGGCAGAGGCAGACAAGATGTCAGGTACGTCCACCCCCGGGCCCTCCCTGCCT[C>T]CCCCTGGCGCGGCCCCCGAGGCCGGCCCCAGCGCGCCCAGCAGGCGGCCCCCCGGCGCGG-3'
Protein context (NP_009049.2, residues 2368-2388): GTSTPGPSLP[Pro2378Ser]PGAAPEAGPS

ClinVar aggregate classification (germline): Uncertain significance (0 of 4 stars; one submission).

Conditions:
TRIO-related disorder. Also called: TRIO-related condition; TRIO-related disorders.

gnomAD v4.1: 1 of 1,380,840 alleles (0.000072%); highest among the groups gnomAD compares: Non-Finnish European, 0.000094%; no homozygotes.

Submission:

PreventionGenetics, part of Exact Sciences
Classification: Uncertain significance for TRIO-related condition. Last evaluated: 2024-05-30. Review status: no assertion criteria provided. Collection method: clinical testing. Allele origin: germline.
Comment: The TRIO c.7132C>T variant is predicted to result in the amino acid substitution p.Pro2378Ser. To our knowledge, this variant has not been reported in the literature or in a large population database, indicating this variant is rare. At this time, the clinical significance of this variant is uncertain due to the absence of conclusive functional and genetic evidence.